The following is an entry in ClinVar:

NM_014639.4(SKIC3):c.2067T>G (p.Asp689Glu)

Gene: SKIC3 (SKI3 subunit of superkiller complex; minus strand). Cytogenetic location: 5q15.
Variant type: single nucleotide variant.
Coding change: c.2067T>G on transcript NM_014639.4 (MANE Select); coding-DNA position 2067, T replaced by G.
Protein change: p.Asp689Glu; replaces aspartic acid 689 with glutamic acid.
Molecular consequence: missense variant.
Genome position (GRCh38, 1-based): chr5:95,520,763, A>C on the plus strand (T>G on the coding strand, the complement: SKIC3 is on the minus strand). VCF-style: chr5-95520763-A-C. GRCh37 (hg19) VCF-style: chr5-94856467-A-C.
Other names: short protein forms D689E.
Identifiers: ClinVar variation 2096711 (VCV002096711.4), dbSNP rs369170154, ClinGen allele CA360462368.

ClinVar aggregate classification (germline): Uncertain significance (1 of 4 stars; one submission).

Submission:

Labcorp Genetics (formerly Invitae), Labcorp
Classification: Uncertain significance. Last evaluated: 2022-02-11. Review status: criteria provided, single submitter. Criteria: Invitae Variant Classification Sherloc (09022015). Collection method: clinical testing. Allele origin: germline.
Comment: In summary, the available evidence is currently insufficient to determine the role of this variant in disease. Therefore, it has been classified as a Variant of Uncertain Significance. Algorithms developed to predict the effect of missense changes on protein structure and function (SIFT, PolyPhen-2, Align-GVGD) all suggest that this variant is likely to be tolerated. This variant has not been reported in the literature in individuals affected with TTC37-related conditions. This variant is not present in population databases (gnomAD no frequency). This sequence change replaces aspartic acid, which is acidic and polar, with glutamic acid, which is acidic and polar, at codon 689 of the TTC37 protein (p.Asp689Glu).